The following is an entry in ClinVar:

ClinVar aggregate classification (germline): Uncertain significance (1 of 4 stars; one submission).

Submission:

GeneDx
Classification: Uncertain significance. Last evaluated: 2023-02-10. Review status: criteria provided, single submitter. Criteria: GeneDx Variant Classification Process June 2021. Collection method: clinical testing. Allele origin: germline. Affected: yes.
Comment: Not observed at significant frequency in large population cohorts (gnomAD); In silico analysis supports that this missense variant does not alter protein structure/function; Has not been previously published as pathogenic or benign to our knowledge

NM_003107.3(SOX4):c.28A>G (p.Asn10Asp)

Gene: SOX4 (SRY-box transcription factor 4; plus strand). Cytogenetic location: 6p22.3.
Variant type: single nucleotide variant.
Coding change: c.28A>G on transcript NM_003107.3 (MANE Select); coding-DNA position 28, A replaced by G.
Protein change: p.Asn10Asp; replaces asparagine 10 with aspartic acid.
Molecular consequence: missense variant.
Genome position (GRCh38, 1-based): chr6:21,594,562, A>G. VCF-style: chr6-21594562-A-G. GRCh37 (hg19) VCF-style: chr6-21594793-A-G.
Other names: short protein forms N10D.
Identifiers: ClinVar variation 2575638 (VCV002575638.1), dbSNP rs2532638808, ClinGen allele CA363269278.